The following is an entry in ClinVar:

ClinVar aggregate classification (germline): Uncertain significance. Review status: criteria provided, multiple submitters, no conflicts (2 of 4 stars). 2 submissions from 2 submitters: Uncertain significance (2). Last evaluated 2026-01-25.

Conditions:
Hereditary cancer-predisposing syndrome. Also called: Neoplastic Syndromes, Hereditary; Tumor predisposition; Hereditary neoplastic syndrome; Hereditary Cancer Syndrome. Identifiers: Orphanet 140162, MedGen C0027672, MeSH D009386, MONDO:0015356.
Multiple endocrine neoplasia, type 2 (MEN2). Identifiers: Orphanet 653, MedGen C4048306, MONDO:0019003. Disease mechanism: gain of function.

Allele frequency attached by ClinVar (database versions not stated): TOPMed below 0.00001.

Submissions (2):

Labcorp Genetics (formerly Invitae), Labcorp
Classification: Uncertain significance for Multiple endocrine neoplasia, type 2. Last evaluated: 2026-01-25. Review status: criteria provided, single submitter. Criteria: Invitae Variant Classification Sherloc (09022015). Collection method: clinical testing. Allele origin: germline.
Comment: This sequence change replaces histidine, which is basic and polar, with tyrosine, which is neutral and polar, at codon 665 of the RET protein (p.His665Tyr). This variant is not present in population databases (gnomAD no frequency). This variant has not been reported in the literature in individuals affected with RET-related conditions. ClinVar contains an entry for this variant (Variation ID: 1366296). An algorithm developed to predict the effect of missense changes on protein structure and function (PolyPhen-2) suggests that this variant is likely to be tolerated. In summary, the available evidence is currently insufficient to determine the role of this variant in disease. Therefore, it has been classified as a Variant of Uncertain Significance.

Ambry Genetics
Classification: Uncertain significance for Hereditary cancer-predisposing syndrome. Last evaluated: 2025-07-18. Review status: criteria provided, single submitter. Criteria: Ambry Variant Classification Scheme 2023. Collection method: clinical testing. Allele origin: germline.
Comment: The p.H665Y variant (also known as c.1993C>T), located in coding exon 11 of the RET gene, results from a C to T substitution at nucleotide position 1993. The histidine at codon 665 is replaced by tyrosine, an amino acid with similar properties. This amino acid position is conserved. In addition, the in silico prediction for this alteration is inconclusive. Based on the available evidence, the clinical significance of this variant remains unclear.

NM_020975.6(RET):c.1993C>T (p.His665Tyr)

Gene: RET (ret proto-oncogene; plus strand). Cytogenetic location: 10q11.21.
Variant type: single nucleotide variant.
Coding change: c.1993C>T on transcript NM_020975.6 (MANE Select); coding-DNA position 1993, C replaced by T.
Protein change: p.His665Tyr; replaces histidine 665 with tyrosine.
Molecular consequence: missense variant.
Genome position (GRCh38, 1-based): chr10:43,114,593, C>T. VCF-style: chr10-43114593-C-T. GRCh37 (hg19) VCF-style: chr10-43610041-C-T.
Other names: c.1993C>T, p.His665Tyr (NM_000323.2, NM_001406743.1, NM_001406744.1 and 4 more transcripts); c.1231C>T, p.His411Tyr (NM_001355216.2); c.1864C>T, p.His622Tyr (NM_001406761.1, NM_001406762.1, NM_001406764.1); c.1705C>T, p.His569Tyr (NM_001406766.1, NM_001406767.1, NM_001406770.1); c.1597C>T, p.His533Tyr (NM_001406769.1, NM_001406772.1); c.1555C>T, p.His519Tyr (NM_001406771.1, NM_001406773.1); c.1468C>T, p.His490Tyr (NM_001406774.1); c.1267C>T, p.His423Tyr (NM_001406775.1, NM_001406776.1, NM_001406777.1 and 1 more transcripts); and 7 more; short protein forms H665Y, H411Y, H230Y, H323Y, H490Y, H569Y, H366Y, H519Y.
Identifiers: ClinVar variation 1366296 (VCV001366296.10), dbSNP rs1228832134, ClinGen allele CA376553098.